The following is an entry in ClinVar:

NM_152564.5(VPS13B):c.8060T>C (p.Ile2687Thr)

Gene: VPS13B (vacuolar protein sorting 13 homolog B; plus strand). Cytogenetic location: 8q22.2.
Variant type: single nucleotide variant.
Coding change: c.8060T>C on transcript NM_152564.5 (MANE Select); coding-DNA position 8060, T replaced by C.
Protein change: p.Ile2687Thr; replaces isoleucine 2687 with threonine.
Molecular consequence: missense variant.
Genome position (GRCh38, 1-based): chr8:99,809,493, T>C. VCF-style: chr8-99809493-T-C. GRCh37 (hg19) VCF-style: chr8-100821721-T-C.
Other names: c.8135T>C (NM_017890.3); c.8135T>C, p.Ile2712Thr (NM_017890.5); short protein forms I2687T, I2712T.
Identifiers: ClinVar variation 1377317 (VCV001377317.7), dbSNP rs2130785937, ClinGen allele CA371770096.
Genomic context (GRCh38, chr8:99,809,493, plus strand): 5'-TGGACCATGCCGGGACTTTTATTAGAACAATTCAGTACAGGGGTCGAACTGCTTCTCTCA[T>C]CATCAAGGTTCAGCAACTCAATGGAGTACAAAAACAGGTAAGTTTCTTTGTGTTCATGAC-3'
Protein context (NP_689777.3, residues 2677-2697): IQYRGRTASL[Ile2687Thr]IKVQQLNGVQ

ClinVar aggregate classification (germline): Uncertain significance. Review status: criteria provided, multiple submitters, no conflicts (2 of 4 stars). 2 submissions from 2 submitters: Uncertain significance (2). Last evaluated 2025-08-19.

Conditions:
Inborn genetic diseases. Identifiers: MedGen C0950123, MeSH D030342.
Cohen syndrome (COH1). Also called: Cutis verticis gyrata, retinitis pigmentosa, and sensorineural deafness; PEPPER SYNDROME. Identifiers: Orphanet 193, MedGen C0265223, MONDO:0008999, OMIM 216550.

Submissions (2):

Ambry Genetics
Classification: Uncertain significance for Inborn genetic diseases. Last evaluated: 2025-08-19. Review status: criteria provided, single submitter. Criteria: Ambry Variant Classification Scheme 2023. Collection method: clinical testing. Allele origin: germline.

Labcorp Genetics (formerly Invitae), Labcorp
Classification: Uncertain significance for Cohen syndrome. Last evaluated: 2021-03-08. Review status: criteria provided, single submitter. Criteria: Invitae Variant Classification Sherloc (09022015). Collection method: clinical testing. Allele origin: germline.
Comment: This sequence change replaces isoleucine with threonine at codon 2712 of the VPS13B protein (p.Ile2712Thr). The isoleucine residue is moderately conserved and there is a moderate physicochemical difference between isoleucine and threonine. This variant is not present in population databases (ExAC no frequency). This variant has not been reported in the literature in individuals with VPS13B-related conditions. Algorithms developed to predict the effect of missense changes on protein structure and function are either unavailable or do not agree on the potential impact of this missense change (SIFT: "Not Available"; PolyPhen-2: "Benign"; Align-GVGD: "Not Available"). In summary, the available evidence is currently insufficient to determine the role of this variant in disease. Therefore, it has been classified as a Variant of Uncertain Significance.